The following is an entry in ClinVar:

ClinVar aggregate classification (germline): Uncertain significance. Review status: criteria provided, multiple submitters, no conflicts (2 of 4 stars). 2 submissions from 2 submitters: Uncertain significance (2). Last evaluated 2024-12-02.

Conditions:
Inborn genetic diseases. Identifiers: MedGen C0950123, MeSH D030342.

gnomAD v4.1: 3 of 1,415,528 alleles (0.00021%); highest among the groups gnomAD compares: Non-Finnish European, 0.00028%; no homozygotes.

Submissions (2):

Ambry Genetics
Classification: Uncertain significance for Inborn genetic diseases. Last evaluated: 2024-12-02. Review status: criteria provided, single submitter. Criteria: Ambry Variant Classification Scheme 2023. Collection method: clinical testing. Allele origin: germline.
Comment: The p.G73V variant (also known as c.218G>T), located in coding exon 1 of the KDM1A gene, results from a G to T substitution at nucleotide position 218. The glycine at codon 73 is replaced by valine, an amino acid with dissimilar properties. This amino acid position is conserved. In addition, this alteration is predicted to be tolerated by in silico analysis. Based on the available evidence, the clinical significance of this variant remains unclear.

Blueprint Genetics
Classification: Uncertain significance. Last evaluated: 2021-11-22. Review status: criteria provided, single submitter. Criteria: ACMG Guidelines, 2015. Collection method: clinical testing. Allele origin: germline.

NM_001009999.3(KDM1A):c.218G>T (p.Gly73Val)

Gene: KDM1A (lysine demethylase 1A; plus strand). Cytogenetic location: 1p36.12.
Variant type: single nucleotide variant.
Coding change: c.218G>T on transcript NM_001009999.3 (MANE Select); coding-DNA position 218, G replaced by T.
Protein change: p.Gly73Val; replaces glycine 73 with valine.
Molecular consequence: missense variant.
Genome position (GRCh38, 1-based): chr1:23,019,814, G>T. VCF-style: chr1-23019814-G-T. GRCh37 (hg19) VCF-style: chr1-23346307-G-T.
Other names: c.218G>T, p.Gly73Val (NM_001363654.2, NM_001410762.1, NM_001410763.1 and 1 more transcripts); short protein forms G73V.
Identifiers: ClinVar variation 3532961 (VCV003532961.2).